The following is an entry in ClinVar:

ClinVar aggregate classification (germline): Uncertain significance (1 of 4 stars; one submission).

Submission:

Ambry Genetics
Classification: Uncertain significance. Last evaluated: 2025-06-02. Review status: criteria provided, single submitter. Criteria: Ambry Variant Classification Scheme 2023. Collection method: clinical testing. Allele origin: germline.
Comment: The p.V514I variant (also known as c.1540G>A), located in coding exon 8 of the ATRIP gene, results from a G to A substitution at nucleotide position 1540. The valine at codon 514 is replaced by isoleucine, an amino acid with highly similar properties. This amino acid position is conserved. In addition, this alteration is predicted to be tolerated by in silico analysis. Based on the available evidence, the clinical significance of this variant remains unclear.

NM_130384.3(ATRIP):c.1540G>A (p.Val514Ile)

Genes: ATRIP (ATR interacting protein; plus strand), ATRIP-TREX1 (ATRIP-TREX1 readthrough; plus strand). Cytogenetic location: 3p21.31.
Variant type: single nucleotide variant.
Coding change: c.1540G>A on transcript NM_130384.3 (MANE Select); coding-DNA position 1540, G replaced by A.
Protein change: p.Val514Ile; replaces valine 514 with isoleucine.
Molecular consequence: missense variant. On other transcripts: non-coding transcript variant (1).
Genome position (GRCh38, 1-based): chr3:48,460,594, G>A. VCF-style: chr3-48460594-G-A. GRCh37 (hg19) VCF-style: chr3-48501993-G-A.
Other names: c.1159G>A, p.Val387Ile (NM_001271022.2); c.1261G>A, p.Val421Ile (NM_001271023.2); c.1540G>A, p.Val514Ile (NM_032166.4); short protein forms V514I, V387I, V421I.
Identifiers: ClinVar variation 3976960 (VCV003976960.1).
Genomic context (GRCh38, chr3:48,460,594, plus strand): 5'-TCCCTATTACTGTCAGGAGTGGGGGCAGATTCTGCTGCTGGGGAAGGAAACAGGAGCCTG[G>A]TTCACAGGCTTAGTGATGGAGATATGACCTCAGCCCTAAGGGGGGTTGCTGATGACCAAG-3'
Protein context (NP_569055.1, residues 504-524): SAAGEGNRSL[Val514Ile]HRLSDGDMTS